The following is an entry in ClinVar:

NM_000452.3(SLC10A2):c.20G>T (p.Cys7Phe)

Gene: SLC10A2 (solute carrier family 10 member 2; minus strand). Cytogenetic location: 13q33.1.
Variant type: single nucleotide variant.
Coding change: c.20G>T on transcript NM_000452.3 (MANE Select); coding-DNA position 20, G replaced by T.
Protein change: p.Cys7Phe; replaces cysteine 7 with phenylalanine.
Molecular consequence: missense variant.
Genome position (GRCh38, 1-based): chr13:103,066,230, C>A on the plus strand (G>T on the coding strand, the complement: SLC10A2 is on the minus strand). VCF-style: chr13-103066230-C-A. GRCh37 (hg19) VCF-style: chr13-103718580-C-A.
Other names: short protein forms C7F.
Identifiers: ClinVar variation 3690969 (VCV003690969.2).

ClinVar aggregate classification (germline): Uncertain significance (1 of 4 stars; one submission).

Submission:

Labcorp Genetics (formerly Invitae), Labcorp
Classification: Uncertain significance. Last evaluated: 2024-07-25. Review status: criteria provided, single submitter. Criteria: Invitae Variant Classification Sherloc (09022015). Collection method: clinical testing. Allele origin: germline.
Comment: This sequence change replaces cysteine, which is neutral and slightly polar, with phenylalanine, which is neutral and non-polar, at codon 7 of the SLC10A2 protein (p.Cys7Phe). This variant is not present in population databases (gnomAD no frequency). This variant has not been reported in the literature in individuals affected with SLC10A2-related conditions. An algorithm developed to predict the effect of missense changes on protein structure and function (PolyPhen-2) suggests that this variant is likely to be disruptive. In summary, the available evidence is currently insufficient to determine the role of this variant in disease. Therefore, it has been classified as a Variant of Uncertain Significance.